The following is an entry in ClinVar:

NM_000498.3(CYP11B2):c.256C>G (p.Pro86Ala)

Genes: CYP11B2 (cytochrome P450 family 11 subfamily B member 2; minus strand), LOC106799834 (CYP11B2 recombination region; plus strand). Cytogenetic location: 8q24.3.
Variant type: single nucleotide variant.
Coding change: c.256C>G on transcript NM_000498.3 (MANE Select); coding-DNA position 256, C replaced by G.
Protein change: p.Pro86Ala; replaces proline 86 with alanine.
Molecular consequence: missense variant.
Genome position (GRCh38, 1-based): chr8:142,917,198, G>C on the plus strand (C>G on the coding strand, the complement: CYP11B2 is on the minus strand). VCF-style: chr8-142917198-G-C. GRCh37 (hg19) VCF-style: chr8-143998614-G-C.
Other names: short protein forms P86A.
Identifiers: ClinVar variation 362227 (VCV000362227.5), dbSNP rs200283987, ClinGen allele CA4906308.

ClinVar aggregate classification (germline): Conflicting classifications of pathogenicity. Review status: criteria provided, conflicting classifications (1 of 4 stars). 3 submissions from 1 submitter: Uncertain significance (2); Likely benign (1). Last evaluated 2018-01-12.

Conditions:
Glucocorticoid-remediable aldosteronism. Also called: Hyperaldosteronism, familial, type I; ACTH-DEPENDENT HYPERALDOSTERONISM SYNDROME; ALDOSTERONISM, SENSITIVE TO DEXAMETHASONE; FH I; GLUCOCORTICOID-SUPPRESSIBLE HYPERALDOSTERONISM. Identifiers: Orphanet 403, MedGen C3838731, MONDO:0007080, OMIM 103900.
Corticosterone 18-monooxygenase deficiency. Also called: ALDOSTERONE DEFICIENCY DUE TO DEFECT IN STEROID 18-HYDROXYLASE; ALDOSTERONE DEFICIENCY I; CMO I DEFICIENCY; STEROID 18-HYDROXYLASE DEFICIENCY; 18 Hydroxylase deficiency; Aldosterone deficiency due to defect in 18 hydroxylase. Identifiers: Orphanet 427, MedGen C0268293, MONDO:0008751, OMIM 203400. Disease mechanism: loss of function.
Corticosterone methyloxidase type 2 deficiency. Also called: 18-OXIDASE DEFICIENCY; ALDOSTERONE DEFICIENCY DUE TO DEFICIENCY OF STEROID 18-OXIDASE; ALDOSTERONE DEFICIENCY II; CMO II DEFICIENCY; STEROID 18-OXIDASE DEFICIENCY. Identifiers: Orphanet 427, MedGen C3463917, MONDO:0012524, OMIM 610600. Disease mechanism: loss of function.

Allele frequency attached by ClinVar (database versions not stated): gnomAD exomes 0.00006; ESP Exome Variant Server 0.00008; ExAC 0.00010; gnomAD 0.00011 and 0.00013; TOPMed 0.00014; 1000 Genomes Project 30x 0.00016; 1000 Genomes Project 0.00020.
gnomAD v4.1: 55 of 1,614,024 alleles (0.0034%); highest among the groups gnomAD compares: African/African-American, 0.032%; no homozygotes.

Submissions (3):

Illumina Laboratory Services, Illumina
Classification: Uncertain significance for Corticosterone methyloxidase type 2 deficiency. Last evaluated: 2018-01-12. Review status: criteria provided, single submitter. Criteria: ICSL Variant Classification Criteria 13 December 2019. Collection method: clinical testing. Allele origin: germline.

Illumina Laboratory Services, Illumina
Classification: Likely benign for Hyperaldosteronism, familial, type I. Last evaluated: 2018-01-12. Review status: criteria provided, single submitter. Criteria: ICSL Variant Classification Criteria 13 December 2019. Collection method: clinical testing. Allele origin: germline.
Comment: This variant was observed in the ICSL laboratory as part of a predisposition screen in an ostensibly healthy population. It had not been previously curated by ICSL or reported in the Human Gene Mutation Database (HGMD: prior to June 1st, 2018), and was therefore a candidate for classification through an automated scoring system. Utilizing variant allele frequency, disease prevalence and penetrance estimates, and inheritance mode, an automated score was calculated to assess if this variant is too frequent to cause the disease. Based on the score and internal cut-off values, a variant classified as likely benign is not then subjected to further curation. The score for this variant resulted in a classification of likely benign for this disease.

Illumina Laboratory Services, Illumina
Classification: Uncertain significance for Corticosterone 18-monooxygenase deficiency. Last evaluated: 2018-01-12. Review status: criteria provided, single submitter. Criteria: ICSL Variant Classification Criteria 13 December 2019. Collection method: clinical testing. Allele origin: germline.